The following is an entry in ClinVar:

ClinVar aggregate classification (germline): Uncertain significance (1 of 4 stars; one submission).

Conditions:
Familial adenomatous polyposis 2. Also called: MUTYH-associated polyposis; Adenomas, multiple colorectal; COLORECTAL ADENOMATOUS POLYPOSIS, AUTOSOMAL RECESSIVE; ADENOMAS, MULTIPLE COLORECTAL, AUTOSOMAL RECESSIVE; MUTYH-related attenuated familial adenomatous polyposis; MYH-associated polyposis. Identifiers: Orphanet 220460, Orphanet 247798, MedGen C3272841, MONDO:0012041, OMIM 608456.

Allele frequency attached by ClinVar (database versions not stated): TOPMed below 0.00001.

Submission:

Labcorp Genetics (formerly Invitae), Labcorp
Classification: Uncertain significance for Familial adenomatous polyposis 2. Last evaluated: 2023-07-24. Review status: criteria provided, single submitter. Criteria: Invitae Variant Classification Sherloc (09022015). Collection method: clinical testing. Allele origin: germline.
Comment: This sequence change replaces alanine, which is neutral and non-polar, with valine, which is neutral and non-polar, at codon 66 of the MUTYH protein (p.Ala66Val). This variant is not present in population databases (gnomAD no frequency). This variant has not been reported in the literature in individuals affected with MUTYH-related conditions. An algorithm developed to predict the effect of missense changes on protein structure and function (PolyPhen-2) suggests that this variant is likely to be tolerated. In summary, the available evidence is currently insufficient to determine the role of this variant in disease. Therefore, it has been classified as a Variant of Uncertain Significance.

NM_001128425.2(MUTYH):c.197C>T (p.Ala66Val)

Gene: MUTYH (mutY DNA glycosylase; minus strand). Cytogenetic location: 1p34.1.
Variant type: single nucleotide variant.
Coding change: c.197C>T on transcript NM_001128425.2 (MANE Plus Clinical); coding-DNA position 197, C replaced by T.
Protein change: p.Ala66Val; replaces alanine 66 with valine.
Molecular consequence: missense variant. On other transcripts: intron variant (17).
Genome position (GRCh38, 1-based): chr1:45,333,564, G>A on the plus strand (C>T on the coding strand, the complement: MUTYH is on the minus strand). VCF-style: chr1-45333564-G-A. GRCh37 (hg19) VCF-style: chr1-45799236-G-A.
Other names: c.116C>T, p.Ala39Val (NM_001048172.2, NM_001407071.1, NM_001407078.1 and 2 more transcripts); c.158C>T, p.Ala53Val (NM_001293190.2); c.146C>T, p.Ala49Val (NM_001293191.2, NM_001407077.1); c.188C>T, p.Ala63Val (NM_001407069.1, NM_012222.3); c.29C>T, p.Ala10Val (NM_001407075.1); c.155C>T, p.Ala52Val (NM_001407083.1, NM_001407085.1); c.134C>T, p.Ala45Val (NM_001407087.1); c.116-3C>T (NM_001407072.1, NM_001048171.2, NM_001407070.1 and 7 more transcripts); and 4 more; short protein forms A66V, A10V, A49V, A39V, A63V, A45V, A52V, A53V.
Identifiers: ClinVar variation 2741314 (VCV002741314.3), dbSNP rs1286046243, ClinGen allele CA340136729.